The following is an entry in ClinVar:

NM_001113378.2(FANCI):c.2900del (p.Leu966_Leu967insTer)

Gene: FANCI (FA complementation group I; plus strand). Cytogenetic location: 15q26.1.
Variant type: Deletion.
Coding change: c.2900del on transcript NM_001113378.2 (MANE Select); coding-DNA position 2900, one base deleted (T; older notation c.2900delT).
Protein change: p.Leu966_Leu967insTer.
Molecular consequence: nonsense.
Genome position (GRCh38, 1-based): chr15:89,301,336, T deleted; the last of 2 consecutive T bases (chr15:89,301,335-89,301,336); deleting either gives the same sequence. VCF-style (leftmost placement, unchanged base first): chr15-89301334-GT-G. GRCh37 (hg19) VCF-style: chr15-89844565-GT-G.
Other names: c.2621del, p.Leu873_Leu874insTer (NM_001376910.1); c.2900del, p.Leu966_Leu967insTer (NM_001376911.1); c.2720del, p.Leu906_Leu907insTer (NM_018193.3).
Identifiers: ClinVar variation 2855005 (VCV002855005.3), dbSNP rs2507933264, ClinGen allele CA2630250274.
Genomic context (GRCh38, chr15:89,301,334, plus strand): 5'-GATAGGAACGTGTCTGCTAACATTGCTTGCTGTGTGTGCCTTCCTTTCTCAGAGGTCCTT[GT>G]TGAATTTACTTAGCAGTCAAGAGGAAGATTTTAATAGCAAAGAAGCCCTCCTGCTAGTCA-3'

ClinVar aggregate classification (germline): Pathogenic (1 of 4 stars; one submission).

Conditions:
Fanconi anemia (FA). Also called: Fanconi's anemia. Identifiers: Orphanet 84, MedGen C0015625, MeSH D005199, MONDO:0019391.

Submission:

Labcorp Genetics (formerly Invitae), Labcorp
Classification: Pathogenic for Fanconi anemia. Last evaluated: 2023-04-11. Review status: criteria provided, single submitter. Criteria: Invitae Variant Classification Sherloc (09022015). Collection method: clinical testing. Allele origin: germline.
Comment: This variant has not been reported in the literature in individuals affected with FANCI-related conditions. This variant is not present in population databases (gnomAD no frequency). For these reasons, this variant has been classified as Pathogenic. This sequence change creates a premature translational stop signal (p.Leu967*) in the FANCI gene. It is expected to result in an absent or disrupted protein product. Loss-of-function variants in FANCI are known to be pathogenic (PMID: 17452773, 17460694).

Literature cited by the submitters: PubMed 17452773; PubMed 17460694.